The following is an entry in ClinVar:

ClinVar aggregate classification (germline): Likely benign (1 of 4 stars; one submission).

Allele frequency attached by ClinVar (database versions not stated): gnomAD exomes 0.00001; gnomAD 0.00002; ExAC 0.00003; TOPMed 0.00003.
gnomAD v4.1: 23 of 1,597,666 alleles (0.0014%); highest among the groups gnomAD compares: Non-Finnish European, 0.0019%; no homozygotes.

Submission:

CeGaT Center for Human Genetics Tuebingen
Classification: Likely benign. Last evaluated: 2023-03-01. Review status: criteria provided, single submitter. Criteria: CeGaT Center For Human Genetics Tuebingen Variant Classification Criteria Version 2. Collection method: clinical testing. Allele origin: germline. Affected: yes. Observed: 1 variant allele.
Comment: PCDHA10: BP4, BP7

NM_018901.4(PCDHA10):c.1800T>C (p.Ser600=)

Genes: PCDHA1 (protocadherin alpha 1; plus strand), PCDHA10 (protocadherin alpha 10; plus strand), PCDHA2 (protocadherin alpha 2; plus strand), PCDHA3 (protocadherin alpha 3; plus strand), PCDHA4 (protocadherin alpha 4; plus strand) and 6 more. Cytogenetic location: 5q31.3.
Variant type: single nucleotide variant.
Coding change: c.1800T>C on transcript NM_018901.4 (MANE Select); coding-DNA position 1800, T replaced by C.
Protein change: p.Ser600=; no amino-acid change (serine 600 retained).
Molecular consequence: synonymous variant. On other transcripts: intron variant (12).
Genome position (GRCh38, 1-based): chr5:140,857,848, T>C. VCF-style: chr5-140857848-T-C. GRCh37 (hg19) VCF-style: chr5-140237433-T-C.
Other names: c.1800T>C, p.Ser600= (NM_031859.3); c.2394+69164T>C (NM_018900.4); c.1602+69956T>C (NM_031411.3); c.2388+60496T>C (NM_018905.3); c.2394+54257T>C (NM_018906.3); c.2385+48276T>C (NM_018907.4); c.2352+33721T>C (NM_018908.3); c.2394+27363T>C (NM_018909.4); and 5 more.
Identifiers: ClinVar variation 2655781 (VCV002655781.24), dbSNP rs781886791, ClinGen allele CA3451302.